The following is an entry in ClinVar:

NM_017654.4(SAMD9):c.3587G>A (p.Gly1196Asp)

Gene: SAMD9 (sterile alpha motif domain containing 9; minus strand). Cytogenetic location: 7q21.2.
Variant type: single nucleotide variant.
Coding change: c.3587G>A on transcript NM_017654.4 (MANE Select); coding-DNA position 3587, G replaced by A.
Protein change: p.Gly1196Asp; replaces glycine 1196 with aspartic acid.
Molecular consequence: missense variant.
Genome position (GRCh38, 1-based): chr7:93,102,511, C>T on the plus strand (G>A on the coding strand, the complement: SAMD9 is on the minus strand). VCF-style: chr7-93102511-C-T. GRCh37 (hg19) VCF-style: chr7-92731824-C-T.
Other names: c.3587G>A, p.Gly1196Asp (NM_001193307.2); short protein forms G1196D.
Identifiers: ClinVar variation 1712786 (VCV001712786.6), dbSNP rs760635054, ClinGen allele CA368184219.
Genomic context (GRCh38, chr7:93,102,511, plus strand): 5'-AAAGGAATGAGCTGGAGAATTTGGATTGTGTAAAGCCCAACTTCTATCTCTCCTTGATAA[C>T]CAGCTATATTGTAAGTATCATACCGCCTTTTTGACTTCGGATACAATCTTTCCTTCACTT-3'
Protein context (NP_060124.2, residues 1186-1206): KRRYDTYNIA[Gly1196Asp]YQGEIEVGLY

ClinVar aggregate classification (germline): Uncertain significance. Review status: criteria provided, multiple submitters, no conflicts (2 of 4 stars). 3 submissions from 3 submitters: Uncertain significance (3). Last evaluated 2025-08-25.

Conditions:
Inborn genetic diseases. Identifiers: MedGen C0950123, MeSH D030342.

Submissions (3):

Ambry Genetics
Classification: Uncertain significance for Inborn genetic diseases. Last evaluated: 2025-08-25. Review status: criteria provided, single submitter. Criteria: Ambry Variant Classification Scheme 2023. Collection method: clinical testing. Allele origin: germline.
Comment: The p.G1196D variant (also known as c.3587G>A), located in coding exon 1 of the SAMD9 gene, results from a G to A substitution at nucleotide position 3587. The glycine at codon 1196 is replaced by aspartic acid, an amino acid with similar properties. This amino acid position is conserved. In addition, the in silico prediction for this alteration is inconclusive. Based on the available evidence, the clinical significance of this variant remains unclear.

Labcorp Genetics (formerly Invitae), Labcorp
Classification: Uncertain significance. Last evaluated: 2023-12-17. Review status: criteria provided, single submitter. Criteria: Invitae Variant Classification Sherloc (09022015). Collection method: clinical testing. Allele origin: germline.
Comment: This sequence change replaces glycine, which is neutral and non-polar, with aspartic acid, which is acidic and polar, at codon 1196 of the SAMD9 protein (p.Gly1196Asp). This variant is not present in population databases (gnomAD no frequency). This variant has not been reported in the literature in individuals affected with SAMD9-related conditions. ClinVar contains an entry for this variant (Variation ID: 1712786). Advanced modeling of protein sequence and biophysical properties (such as structural, functional, and spatial information, amino acid conservation, physicochemical variation, residue mobility, and thermodynamic stability) has been performed at Invitae for this missense variant, however the output from this modeling did not meet the statistical confidence thresholds required to predict the impact of this variant on SAMD9 protein function. In summary, the available evidence is currently insufficient to determine the role of this variant in disease. Therefore, it has been classified as a Variant of Uncertain Significance.

GeneDx
Classification: Uncertain significance. Last evaluated: 2022-04-25. Review status: criteria provided, single submitter. Criteria: GeneDx Variant Classification Process June 2021. Collection method: clinical testing. Allele origin: germline. Affected: yes.
Comment: Not observed at significant frequency in large population cohorts (gnomAD); In silico analysis supports that this missense variant has a deleterious effect on protein structure/function; Has not been previously published as pathogenic or benign to our knowledge